The following is an entry in ClinVar:

ClinVar aggregate classification (germline): Uncertain significance. Review status: criteria provided, multiple submitters, no conflicts (2 of 4 stars). 4 submissions from 4 submitters: Uncertain significance (4). Last evaluated 2022-05-27.

Conditions:
Regional enteritis. Also called: Enteritis, Granulomatous. Identifiers: MedGen C0678202, MeSH D003424.
Blau syndrome (BLAUS). Also called: GRANULOMATOSIS, FAMILIAL JUVENILE SYSTEMIC; GRANULOMATOSIS, FAMILIAL, BLAU TYPE; GRANULOMATOUS INFLAMMATORY ARTHRITIS, DERMATITIS, AND UVEITIS, FAMILIAL; JABS SYNDROME; ARTHROCUTANEOUVEAL GRANULOMATOSIS. Identifiers: Orphanet 90340, MedGen C5201146, MONDO:0008523, OMIM 186580.
Autoinflammatory syndrome. Identifiers: Orphanet 93665, MedGen C3890737, MONDO:0019751.

Allele frequency attached by ClinVar (database versions not stated): gnomAD 0.00001; TOPMed 0.00001; gnomAD exomes 0.00002 and 0.00004.
gnomAD v4.1: 31 of 1,613,518 alleles (0.0019%); highest among the groups gnomAD compares: South Asian, 0.031%; no homozygotes.

Submissions (4):

Labcorp Genetics (formerly Invitae), Labcorp
Classification: Uncertain significance for Regional enteritis; Blau syndrome. Last evaluated: 2022-05-27. Review status: criteria provided, single submitter. Criteria: Invitae Variant Classification Sherloc (09022015). Collection method: clinical testing. Allele origin: germline.
Comment: This sequence change replaces tyrosine, which is neutral and polar, with histidine, which is basic and polar, at codon 514 of the NOD2 protein (p.Tyr514His). This variant is present in population databases (rs540122692, gnomAD 0.03%). This missense change has been observed in individual(s) with Yao syndrome (PMID: 30159790). ClinVar contains an entry for this variant (Variation ID: 449632). Advanced modeling of protein sequence and biophysical properties (such as structural, functional, and spatial information, amino acid conservation, physicochemical variation, residue mobility, and thermodynamic stability) performed at Invitae indicates that this missense variant is expected to disrupt NOD2 protein function. In summary, the available evidence is currently insufficient to determine the role of this variant in disease. Therefore, it has been classified as a Variant of Uncertain Significance.

Genome Diagnostics Laboratory, The Hospital for Sick Children
Classification: Uncertain significance for Autoinflammatory syndrome. Last evaluated: 2021-11-17. Review status: criteria provided, single submitter. Criteria: ACMG Guidelines, 2015. Collection method: clinical testing. Allele origin: germline. Affected: yes.

ARUP Laboratories, Molecular Genetics and Genomics, ARUP Laboratories
Classification: Uncertain significance. Last evaluated: 2020-02-16. Review status: criteria provided, single submitter. Criteria: ARUP Molecular Germline Variant Investigation Process. Collection method: clinical testing. Allele origin: germline.
Comment: The NOD2 c.1540T>C; p.Tyr514His variant (rs540122692) is described in the literature in one individual with suspected Yao syndrome (Yang 2018). The variant is reported as a variant of uncertain significance in the ClinVar database (Variation ID: 449632) and in the general population with an overall allele frequency of 0.004% (11/250,384 alleles) in the Genome Aggregation Database. The tyrosine at codon 514 is moderately conserved and computational analyses (SIFT, PolyPhen-2) predict that this variant is deleterious. Due to limited information, the clinical significance of the p.Tyr514His variant is uncertain at this time. References: Yang et al. A Chinese case series of Yao syndrome and literature review. Clin Rheumatol. 2018 Dec;37(12):3449-3454.

GeneDx
Classification: Uncertain significance. Last evaluated: 2015-12-07. Review status: criteria provided, single submitter. Criteria: GeneDx Variant Classification (06012015). Collection method: clinical testing. Allele origin: germline. Affected: yes.
Comment: The Y514H variant in the NOD2 gene has not been reported previously as a pathogenic variant, nor as a benign variant, to our knowledge. The Y514H variant was not observed in approximately 6500 individuals of European and African American ancestry in the NHLBI Exome Sequencing Project, indicating it is not a common benign variant in these populations. The Y514H variant is a non-conservative amino acid substitution, which is likely to impact secondary protein structure as these residues differ in polarity, charge, size and/or other properties. This substitution occurs at a position that is conserved across species. In silico analysis predicts this variant is probably damaging to the protein structure/function. Missense variants in nearby residues (D512H, M513T, M513R) have been reported in the Human Gene Mutation Database in association with NOD2-related disorders (Stenson et al., 2014), supporting the functional importance of this region of the protein. Therefore, we interpret Y514H as a variant of uncertain significance.

Literature cited by the submitters: PubMed 30159790 (cited by Labcorp Genetics (formerly Invitae), Labcorp).

NM_001370466.1(NOD2):c.1459T>C (p.Tyr487His)

Gene: NOD2 (nucleotide binding oligomerization domain containing 2; plus strand). Cytogenetic location: 16q12.1.
Variant type: single nucleotide variant.
Coding change: c.1459T>C on transcript NM_001370466.1 (MANE Select); coding-DNA position 1459, T replaced by C.
Protein change: p.Tyr487His; replaces tyrosine 487 with histidine.
Molecular consequence: missense variant. On other transcripts: non-coding transcript variant (1).
Genome position (GRCh38, 1-based): chr16:50,711,451, T>C. VCF-style: chr16-50711451-T-C. GRCh37 (hg19) VCF-style: chr16-50745362-T-C.
Other names: c.1540T>C (LRG_177t1); c.1459T>C, p.Tyr487His (NM_001293557.2); c.1540T>C, p.Tyr514His (NM_022162.3); short protein forms Y514H, Y487H.
Identifiers: ClinVar variation 449632 (VCV000449632.22), dbSNP rs540122692, ClinGen allele CA8051566.